The following is an entry in ClinVar:

ClinVar aggregate classification (germline): Conflicting classifications of pathogenicity. Review status: criteria provided, conflicting classifications (1 of 4 stars). 6 submissions from 4 submitters: Likely pathogenic (1); Uncertain significance (5). Last evaluated 2024-06-07.

Conditions:
Autosomal recessive nonsyndromic hearing loss 4 (DFNB4). Also called: NEUROSENSORY NONSYNDROMIC RECESSIVE DEAFNESS 4; FOXI1-Related Pendred Syndrome; KCNJ10-Related Pendred Syndrome; DEAFNESS, AUTOSOMAL RECESSIVE 4, WITH ENLARGED VESTIBULAR AQUEDUCT, DIGENIC; Nonsyndromic enlarged vestibular aqueduct (NSEVA); Deafness, autosomal recessive 4, with enlarged vestibular aqueduct. Identifiers: Orphanet 90636, MedGen C3538946, MONDO:0010933, OMIM 600791.
Pendred syndrome (PDS). Also called: DEAFNESS WITH GOITER; GOITER-DEAFNESS SYNDROME; HYPOTHYROIDISM, CONGENITAL, DUE TO DYSHORMONOGENESIS, 2B; THYROID DYSHORMONOGENESIS 2B; THYROID HORMONOGENESIS, GENETIC DEFECT IN, 2B; Pendred's syndrome. Identifiers: Orphanet 705, MedGen C0271829, MONDO:0010134, OMIM 274600.

Allele frequency attached by ClinVar (database versions not stated): gnomAD exomes below 0.00001; TOPMed 0.00001.

Submissions (6):

Fulgent Genetics
Classification: Uncertain significance for Pendred syndrome; Autosomal recessive nonsyndromic hearing loss 4. Last evaluated: 2024-06-07. Review status: criteria provided, single submitter. Criteria: ACMG Guidelines, 2015. Collection method: clinical testing. Allele origin: germline.

Genome-Nilou Lab
Classification: Uncertain significance for Autosomal recessive nonsyndromic hearing loss 4. Last evaluated: 2021-09-05. Review status: criteria provided, single submitter. Criteria: ACMG Guidelines, 2015. Collection method: clinical testing. Allele origin: germline. Affected: no.

Genome-Nilou Lab
Classification: Uncertain significance for Pendred syndrome. Last evaluated: 2021-09-05. Review status: criteria provided, single submitter. Criteria: ACMG Guidelines, 2015. Collection method: clinical testing. Allele origin: germline. Affected: no.

GeneDx
Classification: Likely pathogenic. Last evaluated: 2020-10-09. Review status: criteria provided, single submitter. Criteria: GeneDx Variant Classification Process June 2021. Collection method: clinical testing. Allele origin: germline. Affected: yes.
Comment: Not observed at a significant frequency in large population cohorts (Lek et al., 2016); In silico analysis supports that this missense variant has a deleterious effect on protein structure/function; Has not been previously published as pathogenic or benign to our knowledge

Illumina Laboratory Services, Illumina
Classification: Uncertain significance for Autosomal recessive nonsyndromic hearing loss 4. Last evaluated: 2018-01-13. Review status: criteria provided, single submitter. Criteria: ICSL Variant Classification Criteria 13 December 2019. Collection method: clinical testing. Allele origin: germline.

Illumina Laboratory Services, Illumina
Classification: Uncertain significance for Pendred syndrome. Last evaluated: 2018-01-13. Review status: criteria provided, single submitter. Criteria: ICSL Variant Classification Criteria 13 December 2019. Collection method: clinical testing. Allele origin: germline.

NM_000441.2(SLC26A4):c.2018T>G (p.Val673Gly)

Gene: SLC26A4 (solute carrier family 26 member 4; plus strand). Cytogenetic location: 7q22.3.
Variant type: single nucleotide variant.
Coding change: c.2018T>G on transcript NM_000441.2 (MANE Select); coding-DNA position 2018, T replaced by G.
Protein change: p.Val673Gly; replaces valine 673 with glycine.
Molecular consequence: missense variant.
Genome position (GRCh38, 1-based): chr7:107,702,041, T>G. VCF-style: chr7-107702041-T-G. GRCh37 (hg19) VCF-style: chr7-107342486-T-G.
Other names: short protein forms V673G.
Identifiers: ClinVar variation 358502 (VCV000358502.11), dbSNP rs886061887, ClinGen allele CA10628013.